The following is an entry in ClinVar:

ClinVar aggregate classification (germline): Uncertain significance (1 of 4 stars; one submission).

Conditions:
Malignant hyperthermia, susceptibility to, 5 (MHS5). Also called: CACNA1S-Related Malignant Hyperthermia Susceptibility. Identifiers: Orphanet 423, MedGen C1866077, MONDO:0011163, OMIM 601887.

gnomAD v4.1: 3 of 1,614,122 alleles (0.00019%); highest among the groups gnomAD compares: Non-Finnish European, 0.00025%; no homozygotes.

Submission:

Color Diagnostics, LLC DBA Color Health
Classification: Uncertain significance for Malignant hyperthermia, susceptibility to, 5. Last evaluated: 2025-06-09. Review status: criteria provided, single submitter. Criteria: ACMG Guidelines, 2015. Collection method: clinical testing. Allele origin: germline.
Comment: This missense variant replaces threonine with alanine at codon 248 of the CACNA1S protein. Computational prediction suggests that this variant may not impact protein structure and function. To our knowledge, functional studies have not been reported for this variant. This variant has not been reported in individuals affected with CACNA1S-related disorders in the literature. This variant has not been identified in the general population by the Genome Aggregation Database (gnomAD). The available evidence is insufficient to determine the role of this variant in disease conclusively. Therefore, this variant is classified as a Variant of Uncertain Significance.

NM_000069.3(CACNA1S):c.742A>G (p.Thr248Ala)

Gene: CACNA1S (calcium voltage-gated channel subunit alpha1 S; minus strand). Cytogenetic location: 1q32.1.
Variant type: single nucleotide variant.
Coding change: c.742A>G on transcript NM_000069.3 (MANE Select); coding-DNA position 742, A replaced by G.
Protein change: p.Thr248Ala; replaces threonine 248 with alanine.
Molecular consequence: missense variant.
Genome position (GRCh38, 1-based): chr1:201,089,416, T>C on the plus strand (A>G on the coding strand, the complement: CACNA1S is on the minus strand). VCF-style: chr1-201089416-T-C. GRCh37 (hg19) VCF-style: chr1-201058544-T-C.
Other names: short protein forms T248A.
Identifiers: ClinVar variation 4757171 (VCV004757171.1).